The following is an entry in ClinVar:

ClinVar aggregate classification (germline): Likely pathogenic (1 of 4 stars; one submission).

Submission:

GeneDx
Classification: Likely pathogenic. Last evaluated: 2025-03-13. Review status: criteria provided, single submitter. Criteria: GeneDx Variant Classification Process June 2021. Collection method: clinical testing. Allele origin: germline. Affected: yes.
Comment: In silico analysis supports that this missense variant has a deleterious effect on protein structure/function; Not observed at significant frequency in large population cohorts (gnomAD); Has not been previously published as pathogenic or benign to our knowledge

NM_004463.3(FGD1):c.1903G>A (p.Val635Met)

Gene: FGD1 (FYVE, RhoGEF and PH domain containing 1; minus strand). Cytogenetic location: Xp11.22.
Variant type: single nucleotide variant.
Coding change: c.1903G>A on transcript NM_004463.3 (MANE Select); coding-DNA position 1903, G replaced by A.
Protein change: p.Val635Met; replaces valine 635 with methionine.
Molecular consequence: missense variant.
Genome position (GRCh38, 1-based): chrX:54,455,724, C>T on the plus strand (G>A on the coding strand, the complement: FGD1 is on the minus strand). VCF-style: chrX-54455724-C-T. GRCh37 (hg19) VCF-style: chrX-54482157-C-T.
Other names: short protein forms V635M.
Identifiers: ClinVar variation 4083458 (VCV004083458.1).